The following is an entry in ClinVar:

ClinVar aggregate classification (germline): Uncertain significance (1 of 4 stars; one submission).

Conditions:
Hereditary breast ovarian cancer syndrome. Also called: Hereditary breast and ovarian cancer syndrome; Hereditary breast and/or ovarian cancer syndrome; BRCA1- and BRCA2-Associated Hereditary Breast and Ovarian Cancer; Hereditary breast and ovarian cancer; Breast and ovarian cancer; Hereditary breast and ovarian cancer syndrome (HBOC). Identifiers: Orphanet 145, MedGen C0677776, MeSH D061325, MONDO:0003582. Disease mechanism: loss of function.

Submission:

Labcorp Genetics (formerly Invitae), Labcorp
Classification: Uncertain significance for Hereditary breast ovarian cancer syndrome. Last evaluated: 2024-08-21. Review status: criteria provided, single submitter. Criteria: Invitae Variant Classification Sherloc (09022015). Collection method: clinical testing. Allele origin: germline.
Comment: This sequence change replaces lysine, which is basic and polar, with glutamic acid, which is acidic and polar, at codon 1132 of the BRCA2 protein (p.Lys1132Glu). This variant is not present in population databases (gnomAD no frequency). This missense change has been observed in individual(s) with breast cancer (PMID: 30287823). Invitae Evidence Modeling of protein sequence and biophysical properties (such as structural, functional, and spatial information, amino acid conservation, physicochemical variation, residue mobility, and thermodynamic stability) indicates that this missense variant is not expected to disrupt BRCA2 protein function with a negative predictive value of 95%. In summary, the available evidence is currently insufficient to determine the role of this variant in disease. Therefore, it has been classified as a Variant of Uncertain Significance.

Literature cited by the submitters: PubMed 30287823.

NM_000059.4(BRCA2):c.3394A>G (p.Lys1132Glu)

Gene: BRCA2 (BRCA2 DNA repair associated; plus strand). Cytogenetic location: 13q13.1.
Variant type: single nucleotide variant.
Coding change: c.3394A>G on transcript NM_000059.4 (MANE Select); coding-DNA position 3394, A replaced by G.
Protein change: p.Lys1132Glu; replaces lysine 1132 with glutamic acid.
Molecular consequence: missense variant. On other transcripts: non-coding transcript variant (1), intron variant (2).
Genome position (GRCh38, 1-based): chr13:32,337,749, A>G. VCF-style: chr13-32337749-A-G. GRCh37 (hg19) VCF-style: chr13-32911886-A-G.
Other names: c.3394A>G, p.Lys1132Glu (NM_001406719.1, NM_001406720.1, NM_001432077.1); c.1909+4362A>G (NM_001406721.1); c.424+6719A>G (NM_001406722.1); short protein forms K1132E.
Identifiers: ClinVar variation 3706390 (VCV003706390.2).
Genomic context (GRCh38, chr13:32,337,749, plus strand): 5'-ACAGAACTTTCTACTATATTAGAAGAATCAGGAAGTCAGTTTGAATTTACTCAGTTTAGA[A>G]AACCAAGCTACATATTGCAGAAGAGTACATTTGAAGTGCCTGAAAACCAGATGACTATCT-3'
Protein context (NP_000050.3, residues 1122-1142): GSQFEFTQFR[Lys1132Glu]PSYILQKSTF